The following is an entry in ClinVar:

ClinVar aggregate classification (germline): Benign/Likely benign. Review status: criteria provided, multiple submitters, no conflicts (2 of 4 stars). 3 submissions from 3 submitters: Benign (1); Likely benign (2). Last evaluated 2025-03-26.

Conditions:
Hereditary cancer-predisposing syndrome. Also called: Hereditary neoplastic syndrome; Neoplastic Syndromes, Hereditary; Tumor predisposition; Hereditary Cancer Syndrome. Identifiers: Orphanet 140162, MedGen C0027672, MeSH D009386, MONDO:0015356.
Peutz-Jeghers syndrome (PJS). Also called: POLYPOSIS, HAMARTOMATOUS INTESTINAL; POLYPS-AND-SPOTS SYNDROME; Peutz-Jeghers polyposis; Periorificial lentiginosis syndrome. Identifiers: Orphanet 2869, MedGen C0031269, MeSH D010580, MONDO:0008280, OMIM 175200.

Allele frequency attached by ClinVar (database versions not stated): gnomAD 0.00001.

Submissions (3):

Myriad Genetics, Inc.
Classification: Benign for Peutz-Jeghers syndrome. Last evaluated: 2025-03-26. Review status: criteria provided, single submitter. Criteria: Myriad Autosomal Dominant, Autosomal Recessive and X-Linked Classification Criteria (2023). Collection method: clinical testing. Allele origin: unknown.
Comment: This variant is considered benign. This variant is a silent/synonymous amino acid change and it is not expected to impact splicing.

Labcorp Genetics (formerly Invitae), Labcorp
Classification: Likely benign for Peutz-Jeghers syndrome. Last evaluated: 2024-11-24. Review status: criteria provided, single submitter. Criteria: Invitae Variant Classification Sherloc (09022015). Collection method: clinical testing. Allele origin: germline.

Ambry Genetics
Classification: Likely benign for Hereditary cancer-predisposing syndrome. Last evaluated: 2016-09-23. Review status: criteria provided, single submitter. Criteria: Ambry Variant Classification Scheme 2023. Collection method: clinical testing. Allele origin: germline.

NM_000455.5(STK11):c.555C>G (p.Thr185=)

Gene: STK11 (serine/threonine kinase 11; plus strand). Cytogenetic location: 19p13.3.
Variant type: single nucleotide variant.
Coding change: c.555C>G on transcript NM_000455.5 (MANE Select); coding-DNA position 555, C replaced by G.
Protein change: p.Thr185=; no amino-acid change (threonine 185 retained).
Molecular consequence: synonymous variant.
Genome position (GRCh38, 1-based): chr19:1,220,463, C>G. VCF-style: chr19-1220463-C-G. GRCh37 (hg19) VCF-style: chr19-1220462-C-G.
Identifiers: ClinVar variation 412536 (VCV000412536.16), dbSNP rs1060503781, ClinGen allele CA16616222.